The following is an entry in ClinVar:

NM_001356.5(DDX3X):c.670G>A (p.Ala224Thr)

Gene: DDX3X (DEAD-box helicase 3 X-linked; plus strand). Cytogenetic location: Xp11.4.
Variant type: single nucleotide variant.
Coding change: c.670G>A on transcript NM_001356.5 (MANE Select); coding-DNA position 670, G replaced by A.
Protein change: p.Ala224Thr; replaces alanine 224 with threonine.
Molecular consequence: missense variant. On other transcripts: non-coding transcript variant (1).
Genome position (GRCh38, 1-based): chrX:41,343,342, G>A. VCF-style: chrX-41343342-G-A. GRCh37 (hg19) VCF-style: chrX-41202595-G-A.
Other names: c.670G>A, p.Ala224Thr (NM_001193416.3); c.622G>A, p.Ala208Thr (NM_001193417.3); c.112G>A, p.Ala38Thr (NM_001363819.1); short protein forms A208T, A224T, A38T.
Identifiers: ClinVar variation 4530590 (VCV004530590.1).
Genomic context (GRCh38, chrX:41,343,342, plus strand): 5'-ACTCCAGTGCAAAAGCATGCTATTCCTATTATCAAAGAGAAAAGAGACTTGATGGCTTGT[G>A]CCCAAACAGGTAAGCTCAACTCATAAGAGTAAAACATCATATTTCTTCTGTAAAGGACTA-3'
Protein context (NP_001347.3, residues 214-234): IKEKRDLMAC[Ala224Thr]QTGSGKTAAF

ClinVar aggregate classification (germline): Uncertain significance (1 of 4 stars; one submission).

Conditions:
Intellectual disability, X-linked 102 (MRXSSB). Also called: Intellectual developmental disorder, X-linked syndromic, Snijders Blok type. Identifiers: Orphanet 457260, MedGen C5393299, MONDO:0010497, OMIM 300958.

Submission:

Institute of Human Genetics, University of Leipzig Medical Center
Classification: Uncertain significance for Intellectual disability, X-linked 102. Last evaluated: 2025-11-06. Review status: criteria provided, single submitter. Criteria: ACMG Guidelines, 2015. Collection method: clinical testing. Allele origin: unknown. Inheritance: X-linked dominant inheritance. Affected: yes.
Comment: Criteria applied: PM2,PM1_SUP,PP2